The following is an entry in ClinVar:

NC_012920.1(MT-RNR1):m.758T>C

Genes: MT-ND5 (mitochondrially encoded NADH dehydrogenase 5; plus strand), MT-RNR1 (mitochondrially encoded 12S RNA; plus strand).
Variant type: single nucleotide variant.
Genome position: chrM-758-T-C.
Identifiers: ClinVar variation 4293139 (VCV004293139.1).

ClinVar aggregate classification (germline): Pathogenic (1 of 4 stars; one submission).

Conditions:
MELAS syndrome (MELAS). Also called: Juvenile myopathy, encephalopathy, lactic acidosis, stroke. Identifiers: Orphanet 550, MedGen C0162671, MONDO:0010789, OMIM 540000.

Submission:

3billion
Classification: Pathogenic for MELAS syndrome. Last evaluated: 2024-06-17. Review status: criteria provided, single submitter. Criteria: ACMG Guidelines, 2015. Collection method: clinical testing. Allele origin: germline. Affected: yes.
Comment: The variant is not observed in the gnomAD v4.0.0 dataset. Predicted Consequence/Location: Missense variant Functional studies provide moderate evidence of the variant having a damaging effect on the gene or gene product (PMID: 18977334, 22249460). Therefore, this variant is classified as Pathogenic according to the recommendation of ACMG/AMP guideline.

Literature cited by the submitters: PubMed 18977334; PubMed 22249460.